The following is an entry in ClinVar:

NM_001039141.3(TRIOBP):c.4727G>A (p.Arg1576His)

Gene: TRIOBP (TRIO and F-actin binding protein; plus strand). Cytogenetic location: 22q13.1.
Variant type: single nucleotide variant.
Coding change: c.4727G>A on transcript NM_001039141.3 (MANE Select); coding-DNA position 4727, G replaced by A.
Protein change: p.Arg1576His; replaces arginine 1576 with histidine.
Molecular consequence: missense variant.
Genome position (GRCh38, 1-based): chr22:37,735,063, G>A. VCF-style: chr22-37735063-G-A. GRCh37 (hg19) VCF-style: chr22-38131070-G-A.
Other names: short protein forms R1576H.
Identifiers: ClinVar variation 3600726 (VCV003600726.1).

ClinVar aggregate classification (germline): Uncertain significance (1 of 4 stars; one submission).

gnomAD v4.1: 16 of 1,606,798 alleles (0.001%); highest among the groups gnomAD compares: East Asian, 0.0089%; no homozygotes.

Submission:

GeneDx
Classification: Uncertain significance. Last evaluated: 2024-07-24. Review status: criteria provided, single submitter. Criteria: GeneDx Variant Classification Process June 2021. Collection method: clinical testing. Allele origin: germline. Affected: yes.
Comment: Not observed at significant frequency in large population cohorts (gnomAD); In silico analysis indicates that this missense variant does not alter protein structure/function; Has not been previously published as pathogenic or benign to our knowledge